The following is an entry in ClinVar:

ClinVar aggregate classification (germline): Uncertain significance (1 of 4 stars; one submission).

Allele frequency attached by ClinVar (database versions not stated): TOPMed 0.00001.

Submission:

Labcorp Genetics (formerly Invitae), Labcorp
Classification: Uncertain significance. Last evaluated: 2024-05-06. Review status: criteria provided, single submitter. Criteria: Invitae Variant Classification Sherloc (09022015). Collection method: clinical testing. Allele origin: germline.
Comment: This sequence change replaces alanine, which is neutral and non-polar, with valine, which is neutral and non-polar, at codon 52 of the COL9A3 protein (p.Ala52Val). This variant is present in population databases (no rsID available, gnomAD 0.003%). This variant has not been reported in the literature in individuals affected with COL9A3-related conditions. ClinVar contains an entry for this variant (Variation ID: 2116960). Advanced modeling of protein sequence and biophysical properties (such as structural, functional, and spatial information, amino acid conservation, physicochemical variation, residue mobility, and thermodynamic stability) performed at Invitae indicates that this missense variant is not expected to disrupt COL9A3 protein function with a negative predictive value of 95%. In summary, the available evidence is currently insufficient to determine the role of this variant in disease. Therefore, it has been classified as a Variant of Uncertain Significance.

NM_001853.4(COL9A3):c.155C>T (p.Ala52Val)

Gene: COL9A3 (collagen type IX alpha 3 chain; plus strand). Cytogenetic location: 20q13.33.
Variant type: single nucleotide variant.
Coding change: c.155C>T on transcript NM_001853.4 (MANE Select); coding-DNA position 155, C replaced by T.
Protein change: p.Ala52Val; replaces alanine 52 with valine.
Molecular consequence: missense variant.
Genome position (GRCh38, 1-based): chr20:62,818,525, C>T. VCF-style: chr20-62818525-C-T. GRCh37 (hg19) VCF-style: chr20-61449877-C-T.
Other names: short protein forms A52V.
Identifiers: ClinVar variation 2116960 (VCV002116960.4), dbSNP rs1210571657, ClinGen allele CA409587428.